The following is an entry in ClinVar:

NM_007144.3(PCGF2):c.480+5G>A

Gene: PCGF2 (polycomb group ring finger 2; minus strand). Cytogenetic location: 17q12.
Variant type: single nucleotide variant.
Coding change: c.480+5G>A on transcript NM_007144.3 (MANE Select); 5 bases into the intron after coding-DNA position 480, G replaced by A.
Molecular consequence: intron variant.
Genome position (GRCh38, 1-based): chr17:38,738,536, C>T on the plus strand (G>A on the coding strand, the complement: PCGF2 is on the minus strand). VCF-style: chr17-38738536-C-T. GRCh37 (hg19) VCF-style: chr17-36894789-C-T.
Other names: c.480+5G>A (NM_001369614.1, NM_001369615.1).
Identifiers: ClinVar variation 4975533 (VCV004975533.1).

ClinVar aggregate classification (germline): Uncertain significance (1 of 4 stars; one submission).

Submission:

GeneDx
Classification: Uncertain significance. Last evaluated: 2026-01-22. Review status: criteria provided, single submitter. Criteria: GeneDx Variant Classification Process June 2021. Collection method: clinical testing. Allele origin: germline.
Comment: Not observed at significant frequency in large population cohorts (gnomAD); In silico analysis supports a deleterious effect on splicing; Has not been previously published as pathogenic or benign to our knowledge